The following is an entry in ClinVar:

NM_025074.7(FRAS1):c.2987A>C (p.Tyr996Ser)

Gene: FRAS1 (Fraser extracellular matrix complex subunit 1; plus strand). Cytogenetic location: 4q21.21.
Variant type: single nucleotide variant.
Coding change: c.2987A>C on transcript NM_025074.7 (MANE Select); coding-DNA position 2987, A replaced by C.
Protein change: p.Tyr996Ser; replaces tyrosine 996 with serine.
Molecular consequence: missense variant.
Genome position (GRCh38, 1-based): chr4:78,372,835, A>C. VCF-style: chr4-78372835-A-C. GRCh37 (hg19) VCF-style: chr4-79293989-A-C.
Other names: c.2987A>C, p.Tyr996Ser (NM_001166133.2); short protein forms Y996S.
Identifiers: ClinVar variation 4540364 (VCV004540364.1).

ClinVar aggregate classification (germline): Uncertain significance (1 of 4 stars; one submission).

Submission:

GeneDx
Classification: Uncertain significance. Last evaluated: 2025-06-23. Review status: criteria provided, single submitter. Criteria: GeneDx Variant Classification Process June 2021. Collection method: clinical testing. Allele origin: germline. Affected: yes.
Comment: Not observed at significant frequency in large population cohorts (gnomAD); In silico analysis supports that this missense variant has a deleterious effect on protein structure/function; Has not been previously published as pathogenic or benign to our knowledge